The following is an entry in ClinVar:

NM_000969.5(RPL5):c.506del (p.Gly169fs)

Genes: DIPK1A (divergent protein kinase domain 1A; minus strand), RPL5 (ribosomal protein L5; plus strand). Cytogenetic location: 1p22.1.
Variant type: Deletion.
Coding change: c.506del on transcript NM_000969.5 (MANE Select); coding-DNA position 506, one base deleted (G; older notation c.506delG).
Protein change: p.Gly169fs; shifts the reading frame from glycine 169.
Molecular consequence: frameshift variant. On other transcripts: non-coding transcript variant (1), intron variant (1).
Genome position (GRCh38, 1-based): chr1:92,836,371, G deleted; the last of 2 consecutive G bases (chr1:92,836,370-92,836,371); deleting either gives the same sequence. VCF-style (leftmost placement, unchanged base first): chr1-92836369-TG-T. GRCh37 (hg19) VCF-style: chr1-93301926-TG-T.
Other names: c.475-3336del (NM_001252273.2); short protein forms G169fs.
Identifiers: ClinVar variation 1338679 (VCV001338679.5), dbSNP rs2100685045, ClinGen allele CA2573051631.

ClinVar aggregate classification (germline): Likely pathogenic (1 of 4 stars; one submission).

Submission:

Genetic Services Laboratory, University of Chicago
Classification: Likely pathogenic. Last evaluated: 2022-01-03. Review status: criteria provided, single submitter. Criteria: ACMG Guidelines, 2015. Collection method: clinical testing. Allele origin: germline. Affected: yes.
Comment: DNA sequence analysis of the RPL5 gene demonstrated a single base pair deletion in exon 5, c.506del. This likely pathogenic sequence change results in an amino acid frameshift and creates a premature stop codon 43 amino acids downstream of the change, p.Gly169Glufs*43. This likely pathogenic sequence change is predicted to result in an abnormal transcript, which may be degraded, or may lead to the production of a truncated RPL5 protein with potentially abnormal function. The c.506del sequence change has not been described in population databases such as ExAC and gnomAD. While this sequence change has not previously been described in the literature, other deletions and downstream truncating variants in the RPL5 gene have been described in individuals with RPL5-related Diamond-Blackfan anemia. This likely pathogenic sequence change is the likely cause of this individual's phenotype, however functional studies have not been performed to prove this conclusively.